The following is an entry in ClinVar:

ClinVar aggregate classification (germline): Benign/Likely benign. Review status: criteria provided, multiple submitters, no conflicts (2 of 4 stars). 5 submissions from 5 submitters: Benign (1); Likely benign (3). 1 of the submissions does not count toward it. Last evaluated 2025-11-19.

Conditions:
LAMA5-related disorder. Also called: LAMA5-Related Disorders; LAMA5-related condition.

Allele frequency attached by ClinVar (database versions not stated): TOPMed 0.00122; 1000 Genomes Project 30x 0.00031; 1000 Genomes Project 0.00040; ESP Exome Variant Server 0.00092; gnomAD 0.00104 and 0.00110.
gnomAD v4.1: 2,286 of 1,612,756 alleles (0.14%); highest among the groups gnomAD compares: Non-Finnish European, 0.17%; 5 homozygotes.

Submissions (5):

Labcorp Genetics (formerly Invitae), Labcorp
Classification: Benign. Last evaluated: 2025-11-19. Review status: criteria provided, single submitter. Criteria: Invitae Variant Classification Sherloc (09022015). Collection method: clinical testing. Allele origin: germline.

Mayo Clinic Laboratories, Mayo Clinic
Classification: Likely benign. Last evaluated: 2024-12-26. Review status: criteria provided, single submitter. Criteria: ACMG Guidelines, 2015. Collection method: clinical testing. Allele origin: germline. Observed: 1 variant allele.
Comment: BS1, BP4, BP7

Blueprint Genetics
Classification: Likely benign. Last evaluated: 2024-11-05. Review status: criteria provided, single submitter. Criteria: ACMG Guidelines, 2015. Collection method: clinical testing. Allele origin: germline.

CeGaT Center for Human Genetics Tuebingen
Classification: Likely benign. Last evaluated: 2024-04-01. Review status: criteria provided, single submitter. Criteria: CeGaT Center For Human Genetics Tuebingen Variant Classification Criteria Version 2. Collection method: clinical testing. Allele origin: germline. Affected: yes. Observed: 1 variant allele.
Comment: LAMA5: BP4, BP7

PreventionGenetics, part of Exact Sciences
Classification: Likely benign for LAMA5-related condition. Last evaluated: 2019-06-27. Review status: no assertion criteria provided. Collection method: clinical testing. Allele origin: germline. Not counted in ClinVar's aggregate classification.
Comment: This variant is classified as likely benign based on ACMG/AMP sequence variant interpretation guidelines (Richards et al. 2015 PMID: 25741868, with internal and published modifications).

NM_005560.6(LAMA5):c.3066C>T (p.Leu1022=)

Gene: LAMA5 (laminin subunit alpha 5; minus strand). Cytogenetic location: 20q13.33.
Variant type: single nucleotide variant.
Coding change: c.3066C>T on transcript NM_005560.6 (MANE Select); coding-DNA position 3066, C replaced by T.
Protein change: p.Leu1022=; no amino-acid change (leucine 1022 retained).
Molecular consequence: synonymous variant.
Genome position (GRCh38, 1-based): chr20:62,333,437, G>A on the plus strand (C>T on the coding strand, the complement: LAMA5 is on the minus strand). VCF-style: chr20-62333437-G-A. GRCh37 (hg19) VCF-style: chr20-60908493-G-A.
Other names: p.Leu1022=.
Identifiers: ClinVar variation 727752 (VCV000727752.32), dbSNP rs139992490, ClinGen allele CA9943184.